The following is an entry in ClinVar:

NM_015512.5(DNAH1):c.12339G>A (p.Trp4113Ter)

Gene: DNAH1 (dynein axonemal heavy chain 1; plus strand). Cytogenetic location: 3p21.1.
Variant type: single nucleotide variant.
Coding change: c.12339G>A on transcript NM_015512.5 (MANE Select); coding-DNA position 12339, G replaced by A.
Protein change: p.Trp4113Ter; replaces tryptophan 4113 with a stop codon.
Molecular consequence: nonsense.
Genome position (GRCh38, 1-based): chr3:52,399,099, G>A. VCF-style: chr3-52399099-G-A. GRCh37 (hg19) VCF-style: chr3-52433115-G-A.
Other names: short protein forms W4113*.
Identifiers: ClinVar variation 478374 (VCV000478374.9), dbSNP rs767196276, ClinGen allele CA2436458.

ClinVar aggregate classification (germline): Pathogenic/Likely pathogenic. Review status: criteria provided, multiple submitters, no conflicts (2 of 4 stars). 2 submissions from 2 submitters: Pathogenic (1); Likely pathogenic (1). Last evaluated 2025-12-31.

Conditions:
Spermatogenic failure 18. Identifiers: MedGen C4539783, MONDO:0054615, OMIM 617576.
Ciliary dyskinesia, primary, 37 (CILD37). Also called: CILIARY DYSKINESIA, PRIMARY, 37, WITH OR WITHOUT SITUS INVERSUS. Identifiers: MedGen C4539798, MONDO:0033204, OMIM 617577.
DNAH1-related disorder. Also called: DNAH1-related condition.

Allele frequency attached by ClinVar (database versions not stated): gnomAD 0.00001; TOPMed 0.00001; ExAC 0.00003.
gnomAD v4.1: 181 of 1,613,932 alleles (0.011%); highest among the groups gnomAD compares: Non-Finnish European, 0.015%; no homozygotes.

Submissions (2):

Labcorp Genetics (formerly Invitae), Labcorp
Classification: Pathogenic for Ciliary dyskinesia, primary, 37; Spermatogenic failure 18. Last evaluated: 2025-12-31. Review status: criteria provided, single submitter. Criteria: Invitae Variant Classification Sherloc (09022015). Collection method: clinical testing. Allele origin: germline.
Comment: This sequence change creates a premature translational stop signal (p.Trp4113*) in the DNAH1 gene. It is expected to result in an absent or disrupted protein product. Loss-of-function variants in DNAH1 are known to be pathogenic (PMID: 27573432, 27798045). This variant is present in population databases (rs767196276, gnomAD 0.006%). This variant has not been reported in the literature in individuals affected with DNAH1-related conditions. ClinVar contains an entry for this variant (Variation ID: 478374). For these reasons, this variant has been classified as Pathogenic.

PreventionGenetics, part of Exact Sciences
Classification: Likely pathogenic for DNAH1-related condition. Last evaluated: 2023-05-12. Review status: criteria provided, single submitter. Criteria: ACMG Guidelines, 2015. Collection method: clinical testing. Allele origin: germline.
Comment: The DNAH1 c.12339G>A variant is predicted to result in premature protein termination (p.Trp4113*). To our knowledge, this variant has not been reported in the literature. This variant is reported in 0.0055% of alleles in individuals of European (Non-Finnish) descent in gnomAD. Nonsense variants in DNAH1 are expected to be pathogenic. This variant is interpreted as likely pathogenic.

Literature cited by the submitters: PubMed 27573432 (cited by Labcorp Genetics (formerly Invitae), Labcorp); PubMed 27798045 (cited by Labcorp Genetics (formerly Invitae), Labcorp).